The following is an entry in ClinVar:

NM_001165963.4(SCN1A):c.5195C>T (p.Pro1732Leu)

Genes: SCN1A (sodium voltage-gated channel alpha subunit 1; minus strand), LOC102724058 (uncharacterized LOC102724058; plus strand). Cytogenetic location: 2q24.3.
Variant type: single nucleotide variant.
Coding change: c.5195C>T on transcript NM_001165963.4 (MANE Select); coding-DNA position 5195, C replaced by T.
Protein change: p.Pro1732Leu; replaces proline 1732 with leucine.
Molecular consequence: missense variant. On other transcripts: non-coding transcript variant (1).
Genome position (GRCh38, 1-based): chr2:165,992,080, G>A on the plus strand (C>T on the coding strand, the complement: SCN1A is on the minus strand). VCF-style: chr2-165992080-G-A. GRCh37 (hg19) VCF-style: chr2-166848590-G-A.
Other names: NP_001159435.1:p.(Pro1732Leu); c.5111C>T, p.Pro1704Leu (NM_001165964.3, NM_001353957.2, NM_001353958.2); c.5195C>T, p.Pro1732Leu (NM_001202435.3, NM_001353948.2); c.5162C>T, p.Pro1721Leu (NM_001353949.2, NM_001353950.2, NM_001353951.2 and 2 more transcripts); c.5159C>T, p.Pro1720Leu (NM_001353954.2, NM_001353955.2); c.5108C>T, p.Pro1703Leu (NM_001353960.2); c.2753C>T, p.Pro918Leu (NM_001353961.2); short protein forms P1703L, P1720L, P1732L, P1704L, P1721L, P918L.
Identifiers: ClinVar variation 1455797 (VCV001455797.10), dbSNP rs2105431242, ClinGen allele CA349068683.
Genomic context (GRCh38, chr2:165,992,080, plus strand): 5'-ACTGAGCTTCCAGGGTTAACTTTATTAGGGTCACAGTCGGGTGGCTTACTGTTGAGAATG[G>A]GTGCTAGCAATCCATCCCAGCCAGCAGAGGTTGTAATTTGGAATAGGCAGATCATGCTGT-3'
Protein context (NP_001159435.1, residues 1722-1742): TSAGWDGLLA[Pro1732Leu]ILNSKPPDCD

ClinVar aggregate classification (germline): Pathogenic/Likely pathogenic. Review status: criteria provided, multiple submitters, no conflicts (2 of 4 stars). 2 submissions from 2 submitters: Pathogenic (1); Likely pathogenic (1). Last evaluated 2021-06-06.

Conditions:
Early-infantile DEE. Also called: Early infantile epileptic encephalopathy with suppression bursts; Early infantile epileptic encephalopathy; Ohtahara syndrome. Identifiers: Orphanet 1934, MedGen C0393706, MONDO:0800491.
Severe myoclonic epilepsy in infancy (DRVT). Also called: Dravet syndrome; Epileptic encephalopathy, early infantile, 6 (Dravet syndrome); SEVERE MYOCLONIC EPILEPSY OF INFANCY; DEVELOPMENTAL AND EPILEPTIC ENCEPHALOPATHY 6A; Severe Myoclonic Epilepsy in Infancy (SMEI). Identifiers: Orphanet 33069, MedGen C0751122, MONDO:0100135, OMIM 607208.

Submissions (2):

Labcorp Genetics (formerly Invitae), Labcorp
Classification: Pathogenic for Early-infantile DEE. Last evaluated: 2021-06-06. Review status: criteria provided, single submitter. Criteria: Invitae Variant Classification Sherloc (09022015). Collection method: clinical testing. Allele origin: germline.
Comment: This variant is not present in population databases (ExAC no frequency). For these reasons, this variant has been classified as Pathogenic. Advanced modeling of protein sequence and biophysical properties (such as structural, functional, and spatial information, amino acid conservation, physicochemical variation, residue mobility, and thermodynamic stability) performed at Invitae indicates that this missense variant is expected to disrupt SCN1A protein function. This variant has been observed in individual(s) with Dravet syndrome (PMID: 30805006). In at least one individual the variant was observed to be de novo. This sequence change replaces proline with leucine at codon 1732 of the SCN1A protein (p.Pro1732Leu). The proline residue is highly conserved and there is a moderate physicochemical difference between proline and leucine.

Unidad de Genómica Garrahan, Hospital de Pediatría Garrahan
Classification: Likely pathogenic for Severe myoclonic epilepsy in infancy. Last evaluated: 2017-01-01. Review status: criteria provided, single submitter. Criteria: ACMG Guidelines, 2015. Collection method: clinical testing. Allele origin: de novo. Affected: yes. Observed: 1 variant allele.

Literature cited by the submitters: PubMed 30805006 (cited by Labcorp Genetics (formerly Invitae), Labcorp); DOI 10.1055/s-0044-1786365 (cited by Unidad de Genómica Garrahan, Hospital de Pediatría Garrahan).